The following is an entry in ClinVar:

NM_001378778.1(MPDZ):c.4906C>T (p.Arg1636Ter)

Gene: MPDZ (multiple PDZ domain crumbs cell polarity complex component; minus strand). Cytogenetic location: 9p23.
Variant type: single nucleotide variant.
Coding change: c.4906C>T on transcript NM_001378778.1 (MANE Select); coding-DNA position 4906, C replaced by T.
Protein change: p.Arg1636Ter; replaces arginine 1636 with a stop codon.
Molecular consequence: nonsense.
Genome position (GRCh38, 1-based): chr9:13,123,200, G>A on the plus strand (C>T on the coding strand, the complement: MPDZ is on the minus strand). VCF-style: chr9-13123200-G-A. GRCh37 (hg19) VCF-style: chr9-13123199-G-A.
Other names: c.4807C>T, p.Arg1603Ter (NM_001261406.2, NM_001261407.2, NM_001375416.1 and 3 more transcripts); c.4906C>T, p.Arg1636Ter (NM_001330637.2, NM_003829.5); c.5005C>T, p.Arg1669Ter (NM_001375413.1); c.4696C>T, p.Arg1566Ter (NM_001375420.1, NM_001375421.1, NM_001375422.1 and 4 more transcripts); c.4498C>T, p.Arg1500Ter (NM_001375427.1); short protein forms R1636*, R1603*, R1500*, R1566*, R1669*.
Identifiers: ClinVar variation 208595 (VCV000208595.10), dbSNP rs797045095, ClinGen allele CA204571.
Genomic context (GRCh38, chr9:13,123,200, plus strand): 5'-GGGTGGTGCTCACCAGCAGCGTGTCTGAACCCCCAACGATGCTCAGGCCCAGCCCTGTTC[G>A]CCCTTTGGAAATCTCGATGGTTGTTTCGCAGCCAGGGATAATGGGGCAGGTTGCAGGATC-3'

ClinVar aggregate classification (germline): Pathogenic/Likely pathogenic. Review status: criteria provided, multiple submitters, no conflicts (2 of 4 stars). 2 submissions from 2 submitters: Pathogenic (1); Likely pathogenic (1). Last evaluated 2022-01-06.

Conditions:
Hydrocephalus, nonsyndromic, autosomal recessive 2. Also called: Hydrocephalus, congenital, 2, with or without brain or eye anomalies. Identifiers: Orphanet 2185, MedGen C3554691, MONDO:0014085, OMIM 615219.

Allele frequency attached by ClinVar (database versions not stated): TOPMed below 0.00001; gnomAD 0.00001; gnomAD exomes 0.00001.
gnomAD v4.1: 17 of 1,613,086 alleles (0.0011%); highest among the groups gnomAD compares: South Asian, 0.0033%; no homozygotes.

Submissions (2):

Labcorp Genetics (formerly Invitae), Labcorp
Classification: Pathogenic. Last evaluated: 2022-01-06. Review status: criteria provided, single submitter. Criteria: Invitae Variant Classification Sherloc (09022015). Collection method: clinical testing. Allele origin: germline.
Comment: ClinVar contains an entry for this variant (Variation ID: 208595). This variant has not been reported in the literature in individuals affected with MPDZ-related conditions. This variant is present in population databases (rs797045095, gnomAD 0.002%). This sequence change creates a premature translational stop signal (p.Arg1636*) in the MPDZ gene. It is expected to result in an absent or disrupted protein product. Loss-of-function variants in MPDZ are known to be pathogenic (PMID: 23240096, 28556411). Algorithms developed to predict the effect of sequence changes on RNA splicing suggest that this variant may create or strengthen a splice site. For these reasons, this variant has been classified as Pathogenic.

Laboratory for Molecular Medicine, Mass General Brigham Personalized Medicine
Classification: Likely pathogenic for Hydrocephalus, nonsyndromic, autosomal recessive 2. Last evaluated: 2014-07-17. Review status: criteria provided, single submitter. Criteria: LMM Criteria. Collection method: clinical testing. Allele origin: germline. Inheritance: Autosomal recessive inheritance. Observed: 1 variant allele. Study: CSER-MedSeq.
Comment: The p.Arg1636X variant in MPDZ has not been previously reported in individuals with disease or in large population studies. This nonsense variant leads to a premature termination codon at position 1636, which is predicted to lead to a truncated or absent protein. Homozygosity for a nonsense variant in MPDZ (p.Gln210X) has been reported in 2 consanguineous families with hydrocephalus (Al-Dosari 2013) . In summary,although additional data is needed to confirm the role of deleterious MPDZ variants as causative for hydrocephalus, this variant is likely pathogenic for the disorder in a recessive state.

Literature cited by the submitters: PubMed 23240096 (cited by Labcorp Genetics (formerly Invitae), Labcorp and Laboratory for Molecular Medicine, Mass General Brigham Personalized Medicine); PubMed 28556411 (cited by Labcorp Genetics (formerly Invitae), Labcorp).